The following is an entry in ClinVar:

ClinVar aggregate classification (germline): Pathogenic. Review status: criteria provided, multiple submitters, no conflicts (2 of 4 stars). 2 submissions from 2 submitters: Pathogenic (2). Last evaluated 2024-09-06.

Conditions:
X-linked Alport syndrome (ATS1). Also called: COL4A5-Related Nephropathy; NEPHROPATHY AND DEAFNESS, X-LINKED. Identifiers: Orphanet 63, Orphanet 88917, MedGen C4746986, MONDO:0010520, OMIM 301050.

Submissions (2):

Labcorp Genetics (formerly Invitae), Labcorp
Classification: Pathogenic. Last evaluated: 2024-09-06. Review status: criteria provided, single submitter. Criteria: Invitae Variant Classification Sherloc (09022015). Collection method: clinical testing. Allele origin: germline.
Comment: This sequence change replaces glycine, which is neutral and non-polar, with serine, which is neutral and polar, at codon 475 of the COL4A5 protein (p.Gly475Ser). This variant also falls at the last nucleotide of exon 21, which is part of the consensus splice site for this exon. This variant is not present in population databases (gnomAD no frequency). This missense change has been observed in individual(s) with clinical features of COL4A5-related conditions (PMID: 20378821; internal data). In at least one individual the variant was observed to be de novo. ClinVar contains an entry for this variant (Variation ID: 24409). Experimental studies and prediction algorithms are not available or were not evaluated, and the functional significance of this variant is currently unknown. Variants that disrupt the consensus splice site are a relatively common cause of aberrant splicing (PMID: 17576681, 9536098). Studies have shown that this missense change is associated with inconclusive levels of altered splicing (PMID: 35005319). For these reasons, this variant has been classified as Pathogenic.

Institute of Human Genetics Munich, TUM University Hospital
Classification: Pathogenic for X-linked Alport syndrome. Last evaluated: 2019-02-28. Review status: criteria provided, single submitter. Criteria: Classification criteria August 2017. Collection method: clinical testing. Allele origin: germline. Inheritance: X-linked inheritance. Affected: yes. Observed: 1 heterozygote.

Literature cited by the submitters: PubMed 20378821 (cited by Labcorp Genetics (formerly Invitae), Labcorp); PubMed 17576681 (cited by Labcorp Genetics (formerly Invitae), Labcorp); PubMed 9536098 (cited by Labcorp Genetics (formerly Invitae), Labcorp); PubMed 35005319 (cited by Labcorp Genetics (formerly Invitae), Labcorp).

NM_033380.3(COL4A5):c.1423G>A (p.Gly475Ser)

Gene: COL4A5 (collagen type IV alpha 5 chain; plus strand). Cytogenetic location: Xq22.3.
Variant type: single nucleotide variant.
Coding change: c.1423G>A on transcript NM_033380.3 (MANE Select); coding-DNA position 1423, G replaced by A.
Protein change: p.Gly475Ser; replaces glycine 475 with serine.
Molecular consequence: missense variant.
Genome position (GRCh38, 1-based): chrX:108,591,644, G>A. VCF-style: chrX-108591644-G-A. GRCh37 (hg19) VCF-style: chrX-107834874-G-A.
Other names: c.1423G>A, p.Gly475Ser (NM_000495.5); short protein forms G475S.
Identifiers: ClinVar variation 24409 (VCV000024409.12), dbSNP rs281874667, ClinGen allele CA258476.
Genomic context (GRCh38, chrX:108,591,644, plus strand): 5'-CCTCCAGGCCCCCCAGGATCTCCAGGTGATAAAGGACTCCAAGGAGAACAAGGAGTGAAA[G>A]GTTTGATCTCCAAACATATTCATTCCTTCATTTTCTTCATTCTTTCAAATCATCAGCAAA-3'
Protein context (NP_203699.1, residues 465-485): KGLQGEQGVK[Gly475Ser]DKGDTCFNCI